The following is an entry in ClinVar:

NM_000532.5(PCCB):c.298_303del (p.Asn100_Lys101del)

Gene: PCCB (propionyl-CoA carboxylase subunit beta; plus strand). Cytogenetic location: 3q22.3.
Variant type: Deletion.
Coding change: c.298_303del on transcript NM_000532.5 (MANE Select); coding-DNA positions 298 to 303, 6 bases deleted (AATAAG; older notation c.298_303delAATAAG).
Protein change: p.Asn100_Lys101del.
Molecular consequence: inframe deletion.
Genome position (GRCh38, 1-based): chr3:136,255,970-136,255,975, AATAAG deleted; deleting any 6 consecutive bases within chr3:136,255,965-136,255,975 gives the same sequence; the c. name uses the placement nearest the transcript's 3' end. VCF-style (leftmost placement, unchanged base first): chr3-136255964-GATAAGA-G. GRCh37 (hg19) VCF-style: chr3-135974806-GATAAGA-G.
Other names: c.298_303del, p.Asn100_Lys101del (NM_001178014.2).
Identifiers: ClinVar variation 553178 (VCV000553178.7), dbSNP rs763485353, ClinGen allele CA2631654.

ClinVar aggregate classification (germline): Uncertain significance. Review status: criteria provided, single submitter (1 of 4 stars). 2 submissions from 2 submitters: Uncertain significance (1). 1 of the submissions does not count toward it. Last evaluated 2021-09-12.

Conditions:
Propionic acidemia (PROP). Also called: GLYCINEMIA, KETOTIC; HYPERGLYCINEMIA WITH KETOACIDOSIS AND LEUKOPENIA; KETOTIC HYPERGLYCINEMIA. Identifiers: Orphanet 35, MedGen C0268579, MONDO:0011628, OMIM 606054, HP:0003571.

Submissions (2):

Labcorp Genetics (formerly Invitae), Labcorp
Classification: Uncertain significance for Propionic acidemia. Last evaluated: 2021-09-12. Review status: criteria provided, single submitter. Criteria: Invitae Variant Classification Sherloc (09022015). Collection method: clinical testing. Allele origin: germline.
Comment: Algorithms developed to predict the effect of sequence changes on RNA splicing suggest that this variant may disrupt the consensus splice site. In summary, the available evidence is currently insufficient to determine the role of this variant in disease. Therefore, it has been classified as a Variant of Uncertain Significance. Experimental studies and prediction algorithms are not available or were not evaluated, and the functional significance of this variant is currently unknown. This variant has not been reported in the literature in individuals affected with PCCB-related conditions. This variant is present in population databases (rs763485353, ExAC 0.001%). This variant, c.298_303del, results in the deletion of 2 amino acid(s) of the PCCB protein (p.Asn100_Lys101del), but otherwise preserves the integrity of the reading frame.

Counsyl
Classification: Uncertain significance for Propionic acidemia. Last evaluated: 2017-08-04. Review status: no assertion criteria provided. Collection method: clinical testing. Allele origin: unknown. Not counted in ClinVar's aggregate classification.